The following is an entry in ClinVar:

ClinVar aggregate classification (germline): Uncertain significance (1 of 4 stars; one submission).

Submission:

Mayo Clinic Laboratories, Mayo Clinic
Classification: Uncertain significance. Last evaluated: 2024-05-10. Review status: criteria provided, single submitter. Criteria: ACMG Guidelines, 2015. Collection method: clinical testing. Allele origin: germline. Observed: 1 variant allele.
Comment: BP4, PM2

NM_017950.4(CCDC40):c.2023G>C (p.Ala675Pro)

Gene: CCDC40 (coiled-coil domain 40 molecular ruler complex subunit; plus strand). Cytogenetic location: 17q25.3.
Variant type: single nucleotide variant.
Coding change: c.2023G>C on transcript NM_017950.4 (MANE Select); coding-DNA position 2023, G replaced by C.
Protein change: p.Ala675Pro; replaces alanine 675 with proline.
Molecular consequence: missense variant.
Genome position (GRCh38, 1-based): chr17:80,084,776, G>C. VCF-style: chr17-80084776-G-C. GRCh37 (hg19) VCF-style: chr17-78058575-G-C.
Other names: p.Ala675Pro; c.2023G>C, p.Ala675Pro (NM_001243342.2); short protein forms A675P.
Identifiers: ClinVar variation 3380521 (VCV003380521.1).